The following is an entry in ClinVar:

ClinVar aggregate classification (germline): Benign (0 of 4 stars; one submission).

Conditions:
PICK1-related disorder. Also called: PICK1-related condition.

Allele frequency attached by ClinVar (database versions not stated): TOPMed 0.00015; gnomAD 0.00078; ExAC 0.00306; 1000 Genomes Project 30x 0.00593; 1000 Genomes Project 0.00599.
gnomAD v4.1: 1,983 of 1,605,782 alleles (0.12%); highest among the groups gnomAD compares: South Asian, 2%; 49 homozygotes.

Submission:

PreventionGenetics, part of Exact Sciences
Classification: Benign for PICK1-related condition. Last evaluated: 2019-06-10. Review status: no assertion criteria provided. Collection method: clinical testing. Allele origin: germline.
Comment: This variant is classified as benign based on ACMG/AMP sequence variant interpretation guidelines (Richards et al. 2015 PMID: 25741868, with internal and published modifications).

NM_012407.4(PICK1):c.*8G>A

Gene: PICK1 (protein interacting with PRKCA 1; plus strand). Cytogenetic location: 22q13.1.
Variant type: single nucleotide variant.
Coding change: c.*8G>A on transcript NM_012407.4 (MANE Select); 8 bases downstream of the stop codon, G replaced by A.
Molecular consequence: 3 prime UTR variant.
Genome position (GRCh38, 1-based): chr22:38,075,140, G>A. VCF-style: chr22-38075140-G-A. GRCh37 (hg19) VCF-style: chr22-38471147-G-A.
Other names: c.*8G>A (NM_001039583.1, NM_001039584.1).
Identifiers: ClinVar variation 3044049 (VCV003044049.2), dbSNP rs377080218, ClinGen allele CA10229433.